The following is an entry in ClinVar:

NM_001365088.1(SLC12A6):c.3392G>T (p.Gly1131Val)

Gene: SLC12A6 (solute carrier family 12 member 6; minus strand). Cytogenetic location: 15q14.
Variant type: single nucleotide variant.
Coding change: c.3392G>T on transcript NM_001365088.1 (MANE Select); coding-DNA position 3392, G replaced by T.
Protein change: p.Gly1131Val; replaces glycine 1131 with valine.
Molecular consequence: missense variant.
Genome position (GRCh38, 1-based): chr15:34,233,942, C>A on the plus strand (G>T on the coding strand, the complement: SLC12A6 is on the minus strand). VCF-style: chr15-34233942-C-A. GRCh37 (hg19) VCF-style: chr15-34526143-C-A.
Other names: c.3215G>T, p.Gly1072Val (NM_001042494.2, NM_001042495.2); c.3365G>T, p.Gly1122Val (NM_001042496.2); c.3347G>T, p.Gly1116Val (NM_001042497.2); c.3239G>T, p.Gly1080Val (NM_005135.2); c.3392G>T, p.Gly1131Val (NM_133647.2); short protein forms G1072V, G1080V, G1116V, G1122V, G1131V.
Identifiers: ClinVar variation 4681143 (VCV004681143.1).

ClinVar aggregate classification (germline): Uncertain significance (1 of 4 stars; one submission).

gnomAD v4.1: 1 of 1,605,322 alleles (0.000062%); highest among the groups gnomAD compares: Non-Finnish European, 0.000085%; no homozygotes.

Submission:

GeneDx
Classification: Uncertain significance. Last evaluated: 2025-07-05. Review status: criteria provided, single submitter. Criteria: GeneDx Variant Classification Process June 2021. Collection method: clinical testing. Allele origin: germline. Affected: yes.
Comment: Not observed at significant frequency in large population cohorts (gnomAD); In silico analysis supports that this missense variant has a deleterious effect on protein structure/function; Has not been previously published as pathogenic or benign to our knowledge